The following is an entry in ClinVar:

NM_001429.4(EP300):c.1090T>C (p.Cys364Arg)

Gene: EP300 (EP300 lysine acetyltransferase; plus strand). Cytogenetic location: 22q13.2.
Variant type: single nucleotide variant.
Coding change: c.1090T>C on transcript NM_001429.4 (MANE Select); coding-DNA position 1090, T replaced by C.
Protein change: p.Cys364Arg; replaces cysteine 364 with arginine.
Molecular consequence: missense variant.
Genome position (GRCh38, 1-based): chr22:41,127,670, T>C. VCF-style: chr22-41127670-T-C. GRCh37 (hg19) VCF-style: chr22-41523674-T-C.
Other names: c.1090T>C, p.Cys364Arg (NM_001362843.2); short protein forms C364R.
Identifiers: ClinVar variation 3252327 (VCV003252327.2), dbSNP rs2518130018.

ClinVar aggregate classification (germline): Uncertain significance. Review status: criteria provided, multiple submitters, no conflicts (2 of 4 stars). 2 submissions from 2 submitters: Uncertain significance (2). Last evaluated 2023-12-07.

Submissions (2):

GeneDx
Classification: Uncertain significance. Last evaluated: 2023-12-07. Review status: criteria provided, single submitter. Criteria: GeneDx Variant Classification Process June 2021. Collection method: clinical testing. Allele origin: germline. Affected: yes.
Comment: Not observed at significant frequency in large population cohorts (gnomAD); In silico analysis supports that this missense variant has a deleterious effect on protein structure/function; Has not been previously published as pathogenic or benign to our knowledge

Blueprint Genetics
Classification: Uncertain significance. Last evaluated: 2022-09-19. Review status: criteria provided, single submitter. Criteria: ACMG Guidelines, 2015. Collection method: clinical testing. Allele origin: germline.